The following is an entry in ClinVar:

NM_001128178.3(NPHP1):c.-9del

Gene: NPHP1 (nephrocystin 1; minus strand). Cytogenetic location: 2q13.
Variant type: Deletion.
Coding change: c.-9del on transcript NM_001128178.3 (MANE Select); 9 bases upstream of the start codon, one base deleted (G; older notation c.-9delG).
Molecular consequence: 5 prime UTR variant.
Genome position (GRCh38, 1-based): chr2:110,204,977, C deleted on the plus strand (G on the coding strand, the reverse complement: NPHP1 is on the minus strand). VCF-style (leftmost placement, unchanged base first): chr2-110204976-GC-G. GRCh37 (hg19) VCF-style: chr2-110962553-GC-G.
Other names: c.-9del (NM_000272.5, NM_001128179.3, NM_001374256.1 and 2 more transcripts).
Identifiers: ClinVar variation 4988507 (VCV004988507.1).

ClinVar aggregate classification (germline): Likely benign (1 of 4 stars; one submission).

Conditions:
NPHP1-related disorder. Also called: NPHP1-related disorders; NPHP1-related condition.

Submission:

PreventionGenetics, part of Exact Sciences
Classification: Likely benign for NPHP1-related condition. Last evaluated: 2024-10-13. Review status: criteria provided, single submitter. Criteria: ACMG Guidelines, 2015. Collection method: clinical testing. Allele origin: germline.
Comment: This variant is classified as likely benign based on ACMG/AMP sequence variant interpretation guidelines (Richards et al. 2015 PMID: 25741868, with internal and published modifications).